The following is an entry in ClinVar:

NM_001903.5(CTNNA1):c.923G>A (p.Arg308His)

Gene: CTNNA1 (catenin alpha 1; plus strand). Cytogenetic location: 5q31.2.
Variant type: single nucleotide variant.
Coding change: c.923G>A on transcript NM_001903.5 (MANE Select); coding-DNA position 923, G replaced by A.
Protein change: p.Arg308His; replaces arginine 308 with histidine.
Molecular consequence: missense variant.
Genome position (GRCh38, 1-based): chr5:138,827,579, G>A. VCF-style: chr5-138827579-G-A. GRCh37 (hg19) VCF-style: chr5-138163268-G-A.
Other names: c.923G>A, p.Arg308His (NM_001290307.3, NM_001323982.2, NM_001323983.1 and 3 more transcripts); c.614G>A, p.Arg205His (NM_001290309.3); c.554G>A, p.Arg185His (NM_001290310.3); short protein forms R185H, R205H, R308H.
Identifiers: ClinVar variation 646668 (VCV000646668.16), dbSNP rs376445678, ClinGen allele CA3431593.
Genomic context (GRCh38, chr5:138,827,579, plus strand): 5'-AAATCATTGTGGACCCCTTGAGCTTCAGCGAGGAGCGCTTTAGGCCTTCCCTGGAGGAGC[G>A]TCTGGAAAGCATCATTAGTGGGGCTGCCTTGATGGCCGACTCGTCCTGCACGCGTGATGA-3'
Protein context (NP_001894.2, residues 298-318): EERFRPSLEE[Arg308His]LESIISGAAL

ClinVar aggregate classification (germline): Uncertain significance. Review status: criteria provided, multiple submitters, no conflicts (2 of 4 stars). 4 submissions from 4 submitters: Uncertain significance (4). Last evaluated 2025-02-02.

Conditions:
Hereditary cancer-predisposing syndrome. Also called: Hereditary Cancer Syndrome; Tumor predisposition; Hereditary neoplastic syndrome; Neoplastic Syndromes, Hereditary. Identifiers: Orphanet 140162, MedGen C0027672, MeSH D009386, MONDO:0015356.
Patterned macular dystrophy 2. Identifiers: Orphanet 99001, MedGen C1837029, MONDO:0012162, OMIM 608970.

Allele frequency attached by ClinVar (database versions not stated): TOPMed below 0.00001; gnomAD 0.00001; gnomAD exomes 0.00001 and 0.00002; ExAC 0.00003; ESP Exome Variant Server 0.00008; 1000 Genomes Project 30x 0.00016.
gnomAD v4.1: 15 of 1,614,226 alleles (0.00093%); highest among the groups gnomAD compares: South Asian, 0.0044%; no homozygotes.

Submissions (4):

Labcorp Genetics (formerly Invitae), Labcorp
Classification: Uncertain significance. Last evaluated: 2025-02-02. Review status: criteria provided, single submitter. Criteria: Invitae Variant Classification Sherloc (09022015). Collection method: clinical testing. Allele origin: germline.
Comment: This sequence change replaces arginine, which is basic and polar, with histidine, which is basic and polar, at codon 308 of the CTNNA1 protein (p.Arg308His). This variant is present in population databases (rs376445678, gnomAD 0.006%). This variant has not been reported in the literature in individuals affected with CTNNA1-related conditions. ClinVar contains an entry for this variant (Variation ID: 646668). Invitae Evidence Modeling of protein sequence and biophysical properties (such as structural, functional, and spatial information, amino acid conservation, physicochemical variation, residue mobility, and thermodynamic stability) has been performed for this missense variant. However, the output from this modeling did not meet the statistical confidence thresholds required to predict the impact of this variant on CTNNA1 protein function. In summary, the available evidence is currently insufficient to determine the role of this variant in disease. Therefore, it has been classified as a Variant of Uncertain Significance.

Ambry Genetics
Classification: Uncertain significance for Hereditary cancer-predisposing syndrome. Last evaluated: 2024-12-20. Review status: criteria provided, single submitter. Criteria: Ambry Variant Classification Scheme 2023. Collection method: clinical testing. Allele origin: germline.
Comment: The p.R308H variant (also known as c.923G>A), located in coding exon 6 of the CTNNA1 gene, results from a G to A substitution at nucleotide position 923. The arginine at codon 308 is replaced by histidine, an amino acid with highly similar properties. In one study, this alteration was identified in 3/151,425 individuals who underwent multi-gene germline genetic testing and classified as a variant of uncertain significance by the authors (Clark DF et al. Genet Med, 2020 05;22:840-846). This amino acid position is highly conserved in available vertebrate species. In addition, the in silico prediction for this alteration is inconclusive. The evidence for this gene-disease relationship is limited; therefore, the clinical significance of this alteration is unclear.

Baylor Genetics
Classification: Uncertain significance for Patterned macular dystrophy 2. Last evaluated: 2024-01-03. Review status: criteria provided, single submitter. Criteria: ACMG Guidelines, 2015. Collection method: clinical testing. Allele origin: unknown.

GeneDx
Classification: Uncertain significance. Last evaluated: 2022-11-30. Review status: criteria provided, single submitter. Criteria: GeneDx Variant Classification Process June 2021. Collection method: clinical testing. Allele origin: germline. Affected: yes.
Comment: In silico analysis supports that this missense variant has a deleterious effect on protein structure/function; Observed in individuals referred for hereditary cancer multi-gene panel testing (Clark et al., 2020); This variant is associated with the following publications: (PMID: 32051609)

Literature cited by the submitters: PubMed 32051609 (cited by Ambry Genetics).